The following is an entry in ClinVar:

ClinVar aggregate classification (germline): Pathogenic/Likely pathogenic. Review status: criteria provided, multiple submitters, no conflicts (2 of 4 stars). 6 submissions from 6 submitters: Pathogenic (5); Likely pathogenic (1). Last evaluated 2025-10-09.

Conditions:
Joubert syndrome. Also called: Familial aplasia of the vermis; JOUBERT-BOLTSHAUSER SYNDROME. Identifiers: Orphanet 475, MedGen C5979921, MONDO:0018772.
Meckel-Gruber syndrome. Also called: Dysencephalia splachnocystica; DYSENCEPHALIA SPLANCHNOCYSTICA; GRUBER SYNDROME. Identifiers: Orphanet 564, MedGen C0265215, MONDO:0018921.
CC2D2A-related disorder. Also called: CC2D2A-related disorders; CC2D2A-related condition. Identifiers: MedGen CN239313.
Joubert syndrome and related disorders. Identifiers: Orphanet 140874, MedGen C5679612, MONDO:0015369.
Meckel syndrome, type 6. Identifiers: Orphanet 564, MedGen C2676790, MONDO:0012848, OMIM 612284.

gnomAD v4.1: 11 of 1,551,242 alleles (0.00071%); highest among the groups gnomAD compares: Admixed American, 0.0039%; no homozygotes.

Submissions (6):

Labcorp Genetics (formerly Invitae), Labcorp
Classification: Pathogenic for Joubert syndrome; Meckel-Gruber syndrome. Last evaluated: 2025-10-09. Review status: criteria provided, single submitter. Criteria: Invitae Variant Classification Sherloc (09022015). Collection method: clinical testing. Allele origin: germline.
Comment: This sequence change creates a premature translational stop signal (p.Arg1218*) in the CC2D2A gene. It is expected to result in an absent or disrupted protein product. Loss-of-function variants in CC2D2A are known to be pathogenic (PMID: 19777577). This variant is present in population databases (no rsID available, gnomAD 0.008%). This variant has not been reported in the literature in individuals affected with CC2D2A-related conditions. ClinVar contains an entry for this variant (Variation ID: 238273). For these reasons, this variant has been classified as Pathogenic.

Myriad Genetics, Inc.
Classification: Pathogenic for Joubert syndrome and related disorders. Last evaluated: 2024-11-26. Review status: criteria provided, single submitter. Criteria: Myriad Autosomal Dominant, Autosomal Recessive and X-Linked Classification Criteria (2023). Collection method: clinical testing. Allele origin: unknown.
Comment: NM_001080522.2(CC2D2A):c.3652C>T(R1218*) is expected to be pathogenic in the context of CC2D2A-related disorders. This variant is predicted to lead to an abnormal or absent protein product due to the creation of a premature termination codon in CC2D2A, a gene where loss-of-function variants are known to be pathogenic. Please note: this variant was assessed in the context of healthy population screening.

Blueprint Genetics
Classification: Likely pathogenic for CC2D2A-related disorders. Last evaluated: 2024-03-05. Review status: criteria provided, single submitter. Criteria: ACMG Guidelines, 2015. Collection method: clinical testing. Allele origin: germline. Affected: yes. Observed: 2 variant alleles.

Women's Health and Genetics/Laboratory Corporation of America, LabCorp
Classification: Pathogenic for Meckel syndrome, type 6. Last evaluated: 2024-01-29. Review status: criteria provided, single submitter. Criteria: LabCorp Variant Classification Summary - May 2015. Collection method: clinical testing. Allele origin: germline.
Comment: Variant summary: CC2D2A c.3652C>T (p.Arg1218X) results in a premature termination codon, predicted to cause a truncation of the encoded protein or absence of the protein due to nonsense mediated decay, which are commonly known mechanisms for disease. The variant allele was found at a frequency of 1.3e-05 in 153658 control chromosomes. c.3652C>T has been reported in the literature in individuals affected with Meckel Syndrome Type 6 (Knopp_2015). To our knowledge, no experimental evidence demonstrating an impact on protein function has been reported. The following publication have been ascertained in the context of this evaluation (PMID: 26003401). ClinVar contains an entry for this variant (Variation ID: 238273). Based on the evidence outlined above, the variant was classified as pathogenic.

GeneDx
Classification: Pathogenic. Last evaluated: 2023-10-23. Review status: criteria provided, single submitter. Criteria: GeneDx Variant Classification Process June 2021. Collection method: clinical testing. Allele origin: germline. Affected: yes.
Comment: Nonsense variant predicted to result in protein truncation or nonsense mediated decay in a gene for which loss-of-function is a known mechanism of disease; Not observed at significant frequency in large population cohorts (gnomAD); Reported previously in an unaffected carrier; however, no further information was provided (PMID: 31964843); This variant is associated with the following publications: (PMID: 31964843)

Eurofins Ntd Llc (ga)
Classification: Pathogenic. Last evaluated: 2017-05-03. Review status: criteria provided, single submitter. Criteria: EGL Classification Definitions 2015. Collection method: clinical testing. Allele origin: germline. Observed: 1 variant allele, 1 heterozygote.

Literature cited by the submitters: PubMed 19777577 (cited by Labcorp Genetics (formerly Invitae), Labcorp); PubMed 26003401 (cited by Women's Health and Genetics/Laboratory Corporation of America, LabCorp).

NM_001378615.1(CC2D2A):c.3652C>T (p.Arg1218Ter)

Genes: FBXL5 (F-box and leucine rich repeat protein 5; minus strand), CC2D2A (coiled-coil and C2 domain containing 2A; plus strand). Cytogenetic location: 4p15.32.
Variant type: single nucleotide variant.
Coding change: c.3652C>T on transcript NM_001378615.1 (MANE Select); coding-DNA position 3652, C replaced by T.
Protein change: p.Arg1218Ter; replaces arginine 1218 with a stop codon.
Molecular consequence: nonsense.
Genome position (GRCh38, 1-based): chr4:15,574,207, C>T. VCF-style: chr4-15574207-C-T. GRCh37 (hg19) VCF-style: chr4-15575830-C-T.
Other names: c.3652C>T, p.Arg1218Ter (NM_001080522.2); c.3505C>T, p.Arg1169Ter (NM_001378617.1); short protein forms R1218*, R1169*.
Identifiers: ClinVar variation 238273 (VCV000238273.17), dbSNP rs375278294, ClinGen allele CA10582215.